The following is an entry in ClinVar:

NM_004320.6(ATP2A1):c.1506A>G (p.Lys502=)

Gene: ATP2A1 (ATPase sarcoplasmic/endoplasmic reticulum Ca2+ transporting 1; plus strand). Cytogenetic location: 16p11.2.
Variant type: single nucleotide variant.
Coding change: c.1506A>G on transcript NM_004320.6 (MANE Select); coding-DNA position 1506, A replaced by G.
Protein change: p.Lys502=; no amino-acid change (lysine 502 retained).
Molecular consequence: synonymous variant.
Genome position (GRCh38, 1-based): chr16:28,898,086, A>G. VCF-style: chr16-28898086-A-G. GRCh37 (hg19) VCF-style: chr16-28909407-A-G.
Other names: c.1131A>G, p.Lys377= (NM_001286075.2); c.1506A>G, p.Lys502= (NM_173201.5).
Identifiers: ClinVar variation 506844 (VCV000506844.1), dbSNP rs1555516670, ClinGen allele CA494874080.

ClinVar aggregate classification (germline): Likely benign (1 of 4 stars; one submission).

Allele frequency attached by ClinVar (database versions not stated): gnomAD exomes below 0.00001; gnomAD 0.00001.
gnomAD v4.1: 1 of 1,614,088 alleles (0.000062%); highest among the groups gnomAD compares: African/African-American, 0.0013%; no homozygotes.

Submission:

GeneDx
Classification: Likely benign. Last evaluated: 2017-01-19. Review status: criteria provided, single submitter. Criteria: GeneDx Variant Classification (06012015). Collection method: clinical testing. Allele origin: germline. Affected: yes.
Comment: This variant is considered likely benign or benign based on one or more of the following criteria: it is a conservative change, it occurs at a poorly conserved position in the protein, it is predicted to be benign by multiple in silico algorithms, and/or has population frequency not consistent with disease.